The following is an entry in ClinVar:

ClinVar aggregate classification (germline): Pathogenic (1 of 4 stars; one submission).

Conditions:
Inborn genetic diseases. Identifiers: MedGen C0950123, MeSH D030342.

Submission:

Ambry Genetics
Classification: Pathogenic for Inborn genetic diseases. Last evaluated: 2024-11-15. Review status: criteria provided, single submitter. Criteria: Ambry Variant Classification Scheme 2023. Collection method: clinical testing. Allele origin: germline.
Comment: The c.4087_4088delTG (p.C1363Qfs*45) alteration, located in exon 9 (coding exon 8) of the BCOR gene, consists of a deletion of 2 nucleotides from position 4087 to 4088, causing a translational frameshift with a predicted alternate stop codon after 45 amino acids. This alteration is expected to result in loss of function by premature protein truncation or nonsense-mediated mRNA decay. This variant was not reported in population-based cohorts in the Genome Aggregation Database (gnomAD). Based on the available evidence, this alteration is classified as pathogenic.

NM_001123385.2(BCOR):c.4087_4088del (p.Cys1363fs)

Gene: BCOR (BCL6 corepressor; minus strand). Cytogenetic location: Xp11.4.
Variant type: Microsatellite.
Coding change: c.4087_4088del on transcript NM_001123385.2 (MANE Select); coding-DNA positions 4087 to 4088, 2 bases deleted (TG; older notation c.4087_4088delTG).
Protein change: p.Cys1363fs; shifts the reading frame from cysteine 1363.
Molecular consequence: frameshift variant.
Genome position (GRCh38, 1-based): chrX:40,062,831-40,062,832, CA deleted on the plus strand (TG on the coding strand, the reverse complement: BCOR is on the minus strand); deleting any 2 consecutive bases within chrX:40,062,831-40,062,834 gives the same sequence; the c. name uses the placement nearest the transcript's 3' end. VCF-style (leftmost placement, unchanged base first): chrX-40062830-GCA-G. GRCh37 (hg19) VCF-style: chrX-39922083-GCA-G.
Other names: c.3983_3984TG[1], p.Cys1329Glnfs (NM_001123383.2); c.3931_3932del, p.Cys1311fs (NM_001123384.2); c.3985_3986del, p.Cys1329fs (NM_017745.6); c.4087_4088delTG (NM_001123385.1); short protein forms C1311fs, C1329fs, C1363fs.
Identifiers: ClinVar variation 3480286 (VCV003480286.1).